The following is an entry in ClinVar:

NM_000553.6(WRN):c.86A>G (p.Glu29Gly)

Gene: WRN (WRN RecQ like helicase; plus strand). Cytogenetic location: 8p12.
Variant type: single nucleotide variant.
Coding change: c.86A>G on transcript NM_000553.6 (MANE Select); coding-DNA position 86, A replaced by G.
Protein change: p.Glu29Gly; replaces glutamic acid 29 with glycine.
Molecular consequence: missense variant.
Genome position (GRCh38, 1-based): chr8:31,058,533, A>G. VCF-style: chr8-31058533-A-G. GRCh37 (hg19) VCF-style: chr8-30916049-A-G.
Other names: short protein forms E29G.
Identifiers: ClinVar variation 2842058 (VCV002842058.3), dbSNP rs2487266571, ClinGen allele CA370912274.
Genomic context (GRCh38, chr8:31,058,533, plus strand): 5'-CTGCACAGCAGCGGAAATGTCCTGAATGGATGAATGTGCAGAATAAAAGATGTGCTGTAG[A>G]AGAAAGAAAGGTATGTTGTTCATTGACTATTCTTTTGGGTGAGAAATTTAATTTATATTT-3'
Protein context (NP_000544.2, residues 19-39): MNVQNKRCAV[Glu29Gly]ERKACVRKSV

ClinVar aggregate classification (germline): Uncertain significance (1 of 4 stars; one submission).

Conditions:
Werner syndrome (WRN). Identifiers: Orphanet 902, MedGen C0043119, MONDO:0010196, OMIM 277700.

Submission:

Labcorp Genetics (formerly Invitae), Labcorp
Classification: Uncertain significance for Werner syndrome. Last evaluated: 2023-10-26. Review status: criteria provided, single submitter. Criteria: Invitae Variant Classification Sherloc (09022015). Collection method: clinical testing. Allele origin: germline.
Comment: This sequence change replaces glutamic acid, which is acidic and polar, with glycine, which is neutral and non-polar, at codon 29 of the WRN protein (p.Glu29Gly). This variant is not present in population databases (gnomAD no frequency). This variant has not been reported in the literature in individuals affected with WRN-related conditions. An algorithm developed to predict the effect of missense changes on protein structure and function (PolyPhen-2) suggests that this variant is likely to be tolerated. In summary, the available evidence is currently insufficient to determine the role of this variant in disease. Therefore, it has been classified as a Variant of Uncertain Significance.